The following is an entry in ClinVar:

NM_000180.4(GUCY2D):c.3085C>G (p.Arg1029Gly)

Gene: GUCY2D (guanylate cyclase 2D, retinal; plus strand). Cytogenetic location: 17p13.1.
Variant type: single nucleotide variant.
Coding change: c.3085C>G on transcript NM_000180.4 (MANE Select); coding-DNA position 3085, C replaced by G.
Protein change: p.Arg1029Gly; replaces arginine 1029 with glycine.
Molecular consequence: missense variant.
Genome position (GRCh38, 1-based): chr17:8,015,968, C>G. VCF-style: chr17-8015968-C-G. GRCh37 (hg19) VCF-style: chr17-7919286-C-G.
Other names: short protein forms R1029G.
Identifiers: ClinVar variation 4790900 (VCV004790900.1).

ClinVar aggregate classification (germline): Uncertain significance (1 of 4 stars; one submission).

Conditions:
Leber congenital amaurosis 1 (LCA1). Also called: AMAUROSIS CONGENITA OF LEBER I; RETINAL BLINDNESS, CONGENITAL; Congenital absence of the rods and cones; Leber's congenital tapetoretinal degeneration; Leber's congenital tapetoretinal dysplasia. Identifiers: Orphanet 65, MedGen C2931258, MONDO:0008764, OMIM 204000.
Cone-rod dystrophy 6 (CORD6). Also called: RETINAL CONE DYSTROPHY 2; Cone dystrophy progressive. Identifiers: Orphanet 1872, MedGen C1866293, MONDO:0011143, OMIM 601777.

Submission:

Labcorp Genetics (formerly Invitae), Labcorp
Classification: Uncertain significance for Leber congenital amaurosis 1; Cone-rod dystrophy 6. Last evaluated: 2025-07-06. Review status: criteria provided, single submitter. Criteria: Invitae Variant Classification Sherloc (09022015). Collection method: clinical testing. Allele origin: germline.
Comment: This sequence change replaces arginine, which is basic and polar, with glycine, which is neutral and non-polar, at codon 1029 of the GUCY2D protein (p.Arg1029Gly). The frequency data for this variant in the population databases is considered unreliable, as metrics indicate poor data quality at this position in the gnomAD database. This variant has not been reported in the literature in individuals affected with GUCY2D-related conditions. Invitae Evidence Modeling of protein sequence and biophysical properties (such as structural, functional, and spatial information, amino acid conservation, physicochemical variation, residue mobility, and thermodynamic stability) indicates that this missense variant is not expected to disrupt GUCY2D protein function with a negative predictive value of 80%. In summary, the available evidence is currently insufficient to determine the role of this variant in disease. Therefore, it has been classified as a Variant of Uncertain Significance.